The following is an entry in ClinVar:

NM_004329.3(BMPR1A):c.1183G>T (p.Asp395Tyr)

Gene: BMPR1A (bone morphogenetic protein receptor type 1A; plus strand). Cytogenetic location: 10q23.2.
Variant type: single nucleotide variant.
Coding change: c.1183G>T on transcript NM_004329.3 (MANE Select); coding-DNA position 1183, G replaced by T.
Protein change: p.Asp395Tyr; replaces aspartic acid 395 with tyrosine.
Molecular consequence: missense variant. On other transcripts: non-coding transcript variant (3).
Genome position (GRCh38, 1-based): chr10:86,921,536, G>T. VCF-style: chr10-86921536-G-T. GRCh37 (hg19) VCF-style: chr10-88681293-G-T.
Other names: c.1099G>T, p.Asp367Tyr (NM_001406585.1, NM_001406586.1, NM_001406587.1 and 2 more transcripts); c.841G>T, p.Asp281Tyr (NM_001406589.1); c.1258G>T, p.Asp420Tyr (NM_001406559.1); c.1231G>T, p.Asp411Tyr (NM_001406560.1); c.1183G>T, p.Asp395Tyr (NM_001406561.1, NM_001406562.1, NM_001406563.1 and 19 more transcripts); c.1177G>T, p.Asp393Tyr (NM_001406583.1); short protein forms D281Y, D367Y, D393Y, D395Y, D411Y, D420Y.
Identifiers: ClinVar variation 4867561 (VCV004867561.1).

ClinVar aggregate classification (germline): Uncertain significance (1 of 4 stars; one submission).

Conditions:
Hereditary cancer-predisposing syndrome. Also called: Neoplastic Syndromes, Hereditary; Tumor predisposition; Hereditary Cancer Syndrome; Hereditary neoplastic syndrome. Identifiers: Orphanet 140162, MedGen C0027672, MeSH D009386, MONDO:0015356.

Submission:

Ambry Genetics
Classification: Uncertain significance for Hereditary cancer-predisposing syndrome. Last evaluated: 2026-05-21. Review status: criteria provided, single submitter. Criteria: Ambry Variant Classification Scheme 2023. Collection method: clinical testing. Allele origin: germline.
Comment: The p.D395Y variant (also known as c.1183G>T), located in coding exon 9 of the BMPR1A gene, results from a G to T substitution at nucleotide position 1183. The aspartic acid at codon 395 is replaced by tyrosine, an amino acid with highly dissimilar properties. This amino acid position is highly conserved in available vertebrate species. In addition, this alteration is predicted to be deleterious by in silico analysis. Based on the available evidence, the clinical significance of this variant remains unclear.